The following is an entry in ClinVar:

NM_000522.5(HOXA13):c.342G>A (p.Pro114=)

Genes: HOXA13 (homeobox A13; minus strand), LOC107126288 (NUP98-HOXA13 recombination region; plus strand). Cytogenetic location: 7p15.2.
Variant type: single nucleotide variant.
Coding change: c.342G>A on transcript NM_000522.5 (MANE Select); coding-DNA position 342, G replaced by A.
Protein change: p.Pro114=; no amino-acid change (proline 114 retained).
Molecular consequence: synonymous variant.
Genome position (GRCh38, 1-based): chr7:27,199,736, C>T on the plus strand (G>A on the coding strand, the complement: HOXA13 is on the minus strand). VCF-style: chr7-27199736-C-T. GRCh37 (hg19) VCF-style: chr7-27239355-C-T.
Identifiers: ClinVar variation 726530 (VCV000726530.12), dbSNP rs868161182, ClinGen allele CA155875501.

ClinVar aggregate classification (germline): Likely benign. Review status: criteria provided, multiple submitters, no conflicts (2 of 4 stars). 3 submissions from 3 submitters: Likely benign (2). 1 of the submissions does not count toward it. Last evaluated 2025-12-23.

Conditions:
HOXA13-related disorder. Also called: HOXA13-related condition.

Allele frequency attached by ClinVar (database versions not stated): gnomAD exomes 0.00016; gnomAD 0.00164 and 0.00182; TOPMed 0.00167; 1000 Genomes Project 30x 0.00187.
gnomAD v4.1: 383 of 995,156 alleles (0.038%); highest among the groups gnomAD compares: African/African-American, 0.59%; 4 homozygotes.

Submissions (3):

Labcorp Genetics (formerly Invitae), Labcorp
Classification: Likely benign. Last evaluated: 2025-12-23. Review status: criteria provided, single submitter. Criteria: Invitae Variant Classification Sherloc (09022015). Collection method: clinical testing. Allele origin: germline.

Blueprint Genetics
Classification: Likely benign. Last evaluated: 2024-07-29. Review status: criteria provided, single submitter. Criteria: ACMG Guidelines, 2015. Collection method: clinical testing. Allele origin: germline.

PreventionGenetics, part of Exact Sciences
Classification: Likely benign for HOXA13-related condition. Last evaluated: 2021-01-21. Review status: no assertion criteria provided. Collection method: clinical testing. Allele origin: germline. Not counted in ClinVar's aggregate classification.
Comment: This variant is classified as likely benign based on ACMG/AMP sequence variant interpretation guidelines (Richards et al. 2015 PMID: 25741868, with internal and published modifications).